The following is an entry in ClinVar:

ClinVar aggregate classification (germline): Uncertain significance (1 of 4 stars; one submission).

Conditions:
Hypertrophic cardiomyopathy. Also called: HYPERTROPHIC MYOCARDIOPATHY. Identifiers: Orphanet 217569, MedGen C0007194, MeSH D002312, MONDO:0005045, HP:0001639.

Submission:

Labcorp Genetics (formerly Invitae), Labcorp
Classification: Uncertain significance for Hypertrophic cardiomyopathy. Last evaluated: 2022-03-18. Review status: criteria provided, single submitter. Criteria: Invitae Variant Classification Sherloc (09022015). Collection method: clinical testing. Allele origin: germline.
Comment: This sequence change replaces threonine, which is neutral and polar, with isoleucine, which is neutral and non-polar, at codon 1266 of the MYH7 protein (p.Thr1266Ile). This variant is not present in population databases (gnomAD no frequency). This variant has not been reported in the literature in individuals affected with MYH7-related conditions. Algorithms developed to predict the effect of missense changes on protein structure and function are either unavailable or do not agree on the potential impact of this missense change (SIFT: "Deleterious"; PolyPhen-2: "Benign"; Align-GVGD: "Class C0"). In summary, the available evidence is currently insufficient to determine the role of this variant in disease. Therefore, it has been classified as a Variant of Uncertain Significance.

NM_000257.4(MYH7):c.3797C>T (p.Thr1266Ile)

Gene: MYH7 (myosin heavy chain 7; minus strand). Cytogenetic location: 14q11.2.
Variant type: single nucleotide variant.
Coding change: c.3797C>T on transcript NM_000257.4 (MANE Select); coding-DNA position 3797, C replaced by T.
Protein change: p.Thr1266Ile; replaces threonine 1266 with isoleucine.
Molecular consequence: missense variant.
Genome position (GRCh38, 1-based): chr14:23,419,539, G>A on the plus strand (C>T on the coding strand, the complement: MYH7 is on the minus strand). VCF-style: chr14-23419539-G-A. GRCh37 (hg19) VCF-style: chr14-23888748-G-A.
Other names: c.3797C>T, p.Thr1266Ile (NM_001407004.1); short protein forms T1266I.
Identifiers: ClinVar variation 2113670 (VCV002113670.1), dbSNP rs753486249, ClinGen allele CA389042049.